The following is an entry in ClinVar:

ClinVar aggregate classification (germline): Uncertain significance. Review status: criteria provided, multiple submitters, no conflicts (2 of 4 stars). 2 submissions from 2 submitters: Uncertain significance (2). Last evaluated 2021-10-22.

Conditions:
Wolcott-Rallison dysplasia. Also called: Wolcott-Rallison syndrome; MED-IDDM SYNDROME. Identifiers: Orphanet 1667, MedGen C0432217, MONDO:0009192, OMIM 226980.

Allele frequency attached by ClinVar (database versions not stated): gnomAD exomes below 0.00001 and 0.00001; ExAC 0.00001; gnomAD 0.00003; TOPMed 0.00003.
gnomAD v4.1: 9 of 1,613,848 alleles (0.00056%); highest among the groups gnomAD compares: African/African-American, 0.0027%; no homozygotes.

Submissions (2):

Labcorp Genetics (formerly Invitae), Labcorp
Classification: Uncertain significance. Last evaluated: 2021-10-22. Review status: criteria provided, single submitter. Criteria: Invitae Variant Classification Sherloc (09022015). Collection method: clinical testing. Allele origin: germline.
Comment: This sequence change replaces isoleucine with threonine at codon 374 of the EIF2AK3 protein (p.Ile374Thr). The isoleucine residue is moderately conserved and there is a moderate physicochemical difference between isoleucine and threonine. This variant is present in population databases (rs760865789, ExAC 0.002%). This variant has not been reported in the literature in individuals affected with EIF2AK3-related conditions. Algorithms developed to predict the effect of missense changes on protein structure and function (SIFT, PolyPhen-2, Align-GVGD) all suggest that this variant is likely to be tolerated. In summary, the available evidence is currently insufficient to determine the role of this variant in disease. Therefore, it has been classified as a Variant of Uncertain Significance.

Fulgent Genetics
Classification: Uncertain significance for Wolcott-Rallison dysplasia. Last evaluated: 2021-09-09. Review status: criteria provided, single submitter. Criteria: ACMG Guidelines, 2015. Collection method: clinical testing. Allele origin: unknown.

NM_004836.7(EIF2AK3):c.1121T>C (p.Ile374Thr)

Gene: EIF2AK3 (eukaryotic translation initiation factor 2 alpha kinase 3; minus strand). Cytogenetic location: 2p11.2.
Variant type: single nucleotide variant.
Coding change: c.1121T>C on transcript NM_004836.7 (MANE Select); coding-DNA position 1121, T replaced by C.
Protein change: p.Ile374Thr; replaces isoleucine 374 with threonine.
Molecular consequence: missense variant.
Genome position (GRCh38, 1-based): chr2:88,590,487, A>G on the plus strand (T>C on the coding strand, the complement: EIF2AK3 is on the minus strand). VCF-style: chr2-88590487-A-G. GRCh37 (hg19) VCF-style: chr2-88890005-A-G.
Other names: c.668T>C, p.Ile223Thr (NM_001313915.2); short protein forms I374T, I223T.
Identifiers: ClinVar variation 1345915 (VCV001345915.4), dbSNP rs760865789, ClinGen allele CA1754768.